The following is an entry in ClinVar:

ClinVar aggregate classification (germline): Uncertain significance (1 of 4 stars; one submission).

Conditions:
Emery-Dreifuss muscular dystrophy 4, autosomal dominant (EDMD4). Also called: EMERY-DREIFUSS MUSCULAR DYSTROPHY 4 WITH VARIABLE FEATURES. Identifiers: Orphanet 261, MedGen C2751807, MONDO:0013071, OMIM 612998.
Autosomal recessive ataxia, Beauce type. Also called: SYNE1-Related Autosomal Recessive Cerebellar Ataxia; Spinocerebellar ataxia, autosomal recessive 8; ATAXIA, RECESSIVE, OF BEAUCE; SYNE1 Deficiency. Identifiers: Orphanet 88644, MedGen C1853116, MONDO:0012549, OMIM 610743.

gnomAD v4.1: 4 of 1,611,418 alleles (0.00025%); highest among the groups gnomAD compares: Non-Finnish European, 0.00034%; no homozygotes.

Submission:

Labcorp Genetics (formerly Invitae), Labcorp
Classification: Uncertain significance for Emery-Dreifuss muscular dystrophy 4, autosomal dominant; Autosomal recessive ataxia, Beauce type. Last evaluated: 2022-08-15. Review status: criteria provided, single submitter. Criteria: Invitae Variant Classification Sherloc (09022015). Collection method: clinical testing. Allele origin: germline.
Comment: In summary, the available evidence is currently insufficient to determine the role of this variant in disease. Therefore, it has been classified as a Variant of Uncertain Significance. Algorithms developed to predict the effect of missense changes on protein structure and function are either unavailable or do not agree on the potential impact of this missense change (SIFT: "Deleterious"; PolyPhen-2: "Benign"; Align-GVGD: "Class C25"). ClinVar contains an entry for this variant (Variation ID: 1407639). This variant has not been reported in the literature in individuals affected with SYNE1-related conditions. This variant is not present in population databases (gnomAD no frequency). This sequence change replaces glutamic acid, which is acidic and polar, with glutamine, which is neutral and polar, at codon 3120 of the SYNE1 protein (p.Glu3120Gln).

NM_182961.4(SYNE1):c.9337G>C (p.Glu3113Gln)

Gene: SYNE1 (spectrin repeat containing nuclear envelope protein 1; minus strand). Cytogenetic location: 6q25.2.
Variant type: single nucleotide variant.
Coding change: c.9337G>C on transcript NM_182961.4 (MANE Select); coding-DNA position 9337, G replaced by C.
Protein change: p.Glu3113Gln; replaces glutamic acid 3113 with glutamine.
Molecular consequence: missense variant.
Genome position (GRCh38, 1-based): chr6:152,373,207, C>G on the plus strand (G>C on the coding strand, the complement: SYNE1 is on the minus strand). VCF-style: chr6-152373207-C-G. GRCh37 (hg19) VCF-style: chr6-152694342-C-G.
Other names: c.9358G>C, p.Glu3120Gln (NM_033071.5); short protein forms E3120Q, E3113Q.
Identifiers: ClinVar variation 1407639 (VCV001407639.9), dbSNP rs2154097171, ClinGen allele CA366140288.